The following is an entry in ClinVar:

NM_001370259.2(MEN1):c.1638G>A (p.Pro546=)

Gene: MEN1 (menin 1; minus strand). Cytogenetic location: 11q13.1.
Variant type: single nucleotide variant.
Coding change: c.1638G>A on transcript NM_001370259.2 (MANE Select); coding-DNA position 1638, G replaced by A.
Protein change: p.Pro546=; no amino-acid change (proline 546 retained).
Molecular consequence: synonymous variant.
Genome position (GRCh38, 1-based): chr11:64,804,529, C>T on the plus strand (G>A on the coding strand, the complement: MEN1 is on the minus strand). VCF-style: chr11-64804529-C-T. GRCh37 (hg19) VCF-style: chr11-64572001-C-T.
Other names: c.1653G>A, p.Pro551= (NM_000244.4, NM_130800.3, NM_130801.3 and 3 more transcripts); c.1764G>A, p.Pro588= (NM_001370251.2); c.1638G>A, p.Pro546= (NM_001370260.2, NM_001370261.2, NM_130799.3); c.1533G>A, p.Pro511= (NM_001370262.2, NM_001370263.2).
Identifiers: ClinVar variation 215541 (VCV000215541.33), dbSNP rs368783097, ClinGen allele CA060874.

ClinVar aggregate classification (germline): Benign/Likely benign. Review status: criteria provided, multiple submitters, no conflicts (2 of 4 stars). 12 submissions from 12 submitters: Benign (7); Likely benign (5). Last evaluated 2026-09-01.

Conditions:
Hereditary cancer-predisposing syndrome. Also called: Neoplastic Syndromes, Hereditary; Tumor predisposition; Hereditary Cancer Syndrome; Hereditary neoplastic syndrome. Identifiers: Orphanet 140162, MedGen C0027672, MeSH D009386, MONDO:0015356.
Multiple endocrine neoplasia, type 1 (MEN1). Also called: MEN I; WERMER SYNDROME; Endocrine adenomatosis multiple; MEN 1; MEA I. Identifiers: Orphanet 652, MedGen C0025267, MeSH D018761, MONDO:0007540, OMIM 131100.

Allele frequency attached by ClinVar (database versions not stated): gnomAD exomes 0.00007 and 0.00037; gnomAD 0.00010; TOPMed 0.00023; ExAC 0.00026; 1000 Genomes Project 30x 0.00031; 1000 Genomes Project 0.00040.
gnomAD v4.1: 127 of 1,614,044 alleles (0.0079%); highest among the groups gnomAD compares: Admixed American, 0.18%; 1 homozygote.

Submissions (12):

CeGaT Center for Human Genetics Tuebingen
Classification: Likely benign. Last evaluated: 2026-09-01. Review status: criteria provided, single submitter. Criteria: CeGaT Center For Human Genetics Tuebingen Variant Classification Criteria Version 2. Collection method: clinical testing. Allele origin: germline. Affected: yes. Observed: 2 variant alleles.
Comment: MEN1: BP4, BP7, BS1

Labcorp Genetics (formerly Invitae), Labcorp
Classification: Benign for Multiple endocrine neoplasia, type 1. Last evaluated: 2026-02-02. Review status: criteria provided, single submitter. Criteria: Invitae Variant Classification Sherloc (09022015). Collection method: clinical testing. Allele origin: germline.

ARUP Laboratories, Molecular Genetics and Genomics, ARUP Laboratories
Classification: Benign. Last evaluated: 2025-07-18. Review status: criteria provided, single submitter. Criteria: ARUP Molecular Germline Variant Investigation Process 2024. Collection method: clinical testing. Allele origin: germline.

Myriad Genetics, Inc.
Classification: Benign for Multiple endocrine neoplasia, type 1. Last evaluated: 2024-11-05. Review status: criteria provided, single submitter. Criteria: Myriad Autosomal Dominant, Autosomal Recessive and X-Linked Classification Criteria (2023). Collection method: clinical testing. Allele origin: unknown.
Comment: This variant is considered benign. This variant is a silent/synonymous amino acid change and it is not expected to impact splicing.

Blueprint Genetics
Classification: Likely benign. Last evaluated: 2023-09-19. Review status: criteria provided, single submitter. Criteria: ACMG Guidelines, 2015. Collection method: clinical testing. Allele origin: germline.

KCCC/NGS Laboratory, Kuwait Cancer Control Center
Classification: Benign for Multiple endocrine neoplasia, type 1. Last evaluated: 2023-07-07. Review status: criteria provided, single submitter. Criteria: ACMG Guidelines, 2015. Collection method: clinical testing. Allele origin: germline. Affected: yes.

Color Diagnostics, LLC DBA Color Health
Classification: Likely benign for Multiple endocrine neoplasia, type 1. Last evaluated: 2022-11-06. Review status: criteria provided, single submitter. Criteria: ACMG Guidelines, 2015. Collection method: clinical testing. Allele origin: germline.

Women's Health and Genetics/Laboratory Corporation of America, LabCorp
Classification: Benign. Last evaluated: 2021-11-30. Review status: criteria provided, single submitter. Criteria: LabCorp Variant Classification Summary - May 2015. Collection method: clinical testing. Allele origin: germline.

Sema4
Classification: Benign for Hereditary cancer-predisposing syndrome. Last evaluated: 2021-01-27. Review status: criteria provided, single submitter. Criteria: Sema4 Curation Guidelines. Collection method: curation. Allele origin: germline.

GeneDx
Classification: Likely benign. Last evaluated: 2019-10-15. Review status: criteria provided, single submitter. Criteria: GeneDx Variant Classification Process June 2021. Collection method: clinical testing. Allele origin: germline. Affected: yes.

PreventionGenetics, part of Exact Sciences
Classification: Benign. Last evaluated: 2017-09-20. Review status: criteria provided, single submitter. Criteria: ACMG Guidelines, 2015. Collection method: clinical testing. Allele origin: germline.

Ambry Genetics
Classification: Likely benign for Hereditary cancer-predisposing syndrome. Last evaluated: 2015-11-03. Review status: criteria provided, single submitter. Criteria: Ambry Variant Classification Scheme 2023. Collection method: clinical testing. Allele origin: germline.